The following is an entry in ClinVar:

ClinVar aggregate classification (germline): Uncertain significance. Review status: criteria provided, multiple submitters, no conflicts (2 of 4 stars). 3 submissions from 3 submitters: Uncertain significance (3). Last evaluated 2026-02-01.

Conditions:
TTN-related disorder. Also called: TTN-related disorders; TTN-related condition; TTN-related disease.
Dilated cardiomyopathy 1G (CMD1G). Identifiers: Orphanet 154, MedGen C1858763, MONDO:0011400, OMIM 604145.
Autosomal recessive limb-girdle muscular dystrophy type 2J (LGMDR10). Also called: Limb-girdle muscular dystrophy, type 2J; MUSCULAR DYSTROPHY, LIMB-GIRDLE, AUTOSOMAL RECESSIVE 10. Identifiers: Orphanet 140922, MedGen C1837342, MONDO:0012127, OMIM 608807.

Allele frequency attached by ClinVar (database versions not stated): ExAC 0.00001; gnomAD 0.00001; gnomAD exomes 0.00001.
gnomAD v4.1: 12 of 1,610,030 alleles (0.00075%); highest among the groups gnomAD compares: African/African-American, 0.0013%; no homozygotes.

Submissions (3):

CeGaT Center for Human Genetics Tuebingen
Classification: Uncertain significance. Last evaluated: 2026-02-01. Review status: criteria provided, single submitter. Criteria: CeGaT Center For Human Genetics Tuebingen Variant Classification Criteria Version 2. Collection method: clinical testing. Allele origin: germline. Affected: yes. Observed: 1 variant allele.
Comment: TTN: PM2, BP4

PreventionGenetics, part of Exact Sciences
Classification: Uncertain significance for TTN-related condition. Last evaluated: 2026-01-16. Review status: criteria provided, single submitter. Criteria: ACMG Guidelines, 2015. Collection method: clinical testing. Allele origin: germline.
Comment: The TTN c.20605G>A variant is predicted to result in the amino acid substitution p.Glu6869Lys. To our knowledge, this variant has not been reported in the literature. This variant is reported in 0.0018% of alleles in individuals of European (Non-Finnish) descent in gnomAD. At this time, the clinical significance of this variant is uncertain due to the absence of conclusive functional and genetic evidence.

Labcorp Genetics (formerly Invitae), Labcorp
Classification: Uncertain significance for Dilated cardiomyopathy 1G; Autosomal recessive limb-girdle muscular dystrophy type 2J. Last evaluated: 2017-06-21. Review status: criteria provided, single submitter. Criteria: Invitae Variant Classification Sherloc (09022015). Collection method: clinical testing. Allele origin: germline.

NM_001267550.2(TTN):c.20605G>A (p.Glu6869Lys)

Gene: TTN (titin; minus strand). Cytogenetic location: 2q31.2.
Variant type: single nucleotide variant.
Coding change: c.20605G>A on transcript NM_001267550.2 (MANE Select); coding-DNA position 20605, G replaced by A.
Protein change: p.Glu6869Lys; replaces glutamic acid 6869 with lysine.
Molecular consequence: missense variant. On other transcripts: intron variant (3).
Genome position (GRCh38, 1-based): chr2:178,725,599, C>T on the plus strand (G>A on the coding strand, the complement: TTN is on the minus strand). VCF-style: chr2-178725599-C-T. GRCh37 (hg19) VCF-style: chr2-179590326-C-T.
Other names: c.19654G>A, p.Glu6552Lys (NM_001256850.1); c.16873G>A, p.Glu5625Lys (NM_133378.4); c.13282+12483G>A (NM_003319.4); c.13858+12483G>A (NM_133437.4); c.13657+12483G>A (NM_133432.3); short protein forms E6869K, E5625K, E6552K.
Identifiers: ClinVar variation 466881 (VCV000466881.8), dbSNP rs746830456, ClinGen allele CA2001188.